The following is an entry in ClinVar:

NM_177438.3(DICER1):c.2988-2A>G

Gene: DICER1 (dicer 1, ribonuclease III; minus strand). Cytogenetic location: 14q32.13.
Variant type: single nucleotide variant.
Coding change: c.2988-2A>G on transcript NM_177438.3 (MANE Select); the canonical splice acceptor site of the intron before coding-DNA position 2988, A replaced by G.
Molecular consequence: splice acceptor variant. On other transcripts: non-coding transcript variant (1).
Genome position (GRCh38, 1-based): chr14:95,105,785, T>C on the plus strand (A>G on the coding strand, the complement: DICER1 is on the minus strand). VCF-style: chr14-95105785-T-C. GRCh37 (hg19) VCF-style: chr14-95572122-T-C.
Other names: c.2988-2A>G (NM_177438.2, NM_001291628.2, NM_030621.4 and 13 more transcripts); c.2583-2A>G (NM_001395690.1, NM_001395687.1, NM_001395689.1 and 2 more transcripts); c.2706-2A>G (NM_001395686.1); c.2421-2A>G (NM_001395691.1); c.1305-2A>G (NM_001395697.1).
Identifiers: ClinVar variation 690469 (VCV000690469.10), dbSNP rs1595372950, ClinGen allele CA390878669.

ClinVar aggregate classification (germline): Pathogenic/Likely pathogenic. Review status: criteria provided, multiple submitters, no conflicts (2 of 4 stars). 5 submissions from 5 submitters: Pathogenic (3); Likely pathogenic (2). Last evaluated 2026-06-29.

Conditions:
DICER1-related tumor predisposition. Also called: DICER1 syndrome; DICER1-related pleuropulmonary blastoma cancer predisposition syndrome. Identifiers: Orphanet 284343, MedGen C3839822, MONDO:0100216.
Hereditary cancer-predisposing syndrome. Also called: Tumor predisposition; Hereditary Cancer Syndrome; Neoplastic Syndromes, Hereditary; Hereditary neoplastic syndrome. Identifiers: Orphanet 140162, MedGen C0027672, MeSH D009386, MONDO:0015356.
Pleuropulmonary blastoma (PPB). Identifiers: Orphanet 64742, MedGen C1266144, MONDO:0011014, OMIM 601200, HP:0100528.

Submissions (5):

Ambry Genetics
Classification: Likely pathogenic for Hereditary cancer-predisposing syndrome. Last evaluated: 2026-06-29. Review status: criteria provided, single submitter. Criteria: Ambry Variant Classification Scheme 2023. Collection method: clinical testing. Allele origin: germline.
Comment: The c.2988-2A>G intronic variant results from an A to G substitution two nucleotides after coding exon 18 in the DICER1 gene. This variant is considered to be rare based on population cohorts in the Genome Aggregation Database (gnomAD). This nucleotide position is highly conserved in available vertebrate species. In silico splice site analysis predicts that this alteration will weaken the native splice acceptor site and will result in the creation or strengthening of a novel splice acceptor site; however, direct evidence is insufficient at this time (Ambry internal data). Variants that disrupt the canonical splice site are expected to cause aberrant splicing, resulting in an abnormal protein or a transcript that is subject to nonsense-mediated mRNA decay. As such, this variant is classified as likely pathogenic.

Myriad Genetics, Inc.
Classification: Likely pathogenic for DICER1-related tumor predisposition. Last evaluated: 2026-05-08. Review status: criteria provided, single submitter. Criteria: Myriad Autosomal Dominant, Autosomal Recessive and X-Linked Classification Criteria (2023). Collection method: clinical testing. Allele origin: unknown.
Comment: This variant is considered likely pathogenic. This variant occurs within a consensus splice junction and is predicted to result in abnormal mRNA splicing of either an out-of-frame exon or an in-frame exon necessary for protein stability and/or normal function.

St. Jude Molecular Pathology, St. Jude Children's Research Hospital
Classification: Pathogenic for Pleuropulmonary blastoma. Last evaluated: 2026-02-11. Review status: criteria provided, single submitter. Criteria: St. Jude Assertion Criteria 2020. Collection method: clinical testing. Allele origin: germline.
Comment: The DICER1 c.2988-2A>G intronic change results in an A to G substitution at the -2 position of intron 18 of the DICER1 gene. This variant is predicted to result in aberrant splicing, resulting in nonsense-mediated decay or an abnormal protein product. This variant has been reported in a family with DICER1-associated tumors (internal data). This variant is also absent in gnomAD v2.1.1. In summary, this variant meets criteria to be classified as pathogenic.

GeneDx
Classification: Pathogenic. Last evaluated: 2023-06-09. Review status: criteria provided, single submitter. Criteria: GeneDx Variant Classification Process June 2021. Collection method: clinical testing. Allele origin: germline. Affected: yes.
Comment: Canonical splice site variant predicted to result in a null allele in a gene for which loss of function is a known mechanism of disease; Not observed at significant frequency in large population cohorts (gnomAD); Has not been previously published as pathogenic or benign to our knowledge

PreventionGenetics, part of Exact Sciences
Classification: Pathogenic. Last evaluated: 2020-07-07. Review status: criteria provided, single submitter. Criteria: ACMG Guidelines, 2015. Collection method: clinical testing. Allele origin: germline.